The following is an entry in ClinVar:

NM_006063.3(KLHL41):c.1569T>C (p.Asp523=)

Gene: KLHL41 (kelch like family member 41; plus strand). Cytogenetic location: 2q31.1.
Variant type: single nucleotide variant.
Coding change: c.1569T>C on transcript NM_006063.3 (MANE Select); coding-DNA position 1569, T replaced by C.
Protein change: p.Asp523=; no amino-acid change (aspartic acid 523 retained).
Molecular consequence: synonymous variant.
Genome position (GRCh38, 1-based): chr2:169,520,867, T>C. VCF-style: chr2-169520867-T-C. GRCh37 (hg19) VCF-style: chr2-170377377-T-C.
Identifiers: ClinVar variation 474865 (VCV000474865.55), dbSNP rs373954289, ClinGen allele CA1956719.

ClinVar aggregate classification (germline): Likely benign. Review status: criteria provided, multiple submitters, no conflicts (2 of 4 stars). 6 submissions from 6 submitters: Likely benign (6). Last evaluated 2026-03-01.

Conditions:
Nemaline myopathy 9 (NEM9). Identifiers: MedGen C3810384, MONDO:0014326, OMIM 615731.
KLHL41-related disorder. Also called: KLHL41-related condition.

Allele frequency attached by ClinVar (database versions not stated): ESP Exome Variant Server 0.00015; gnomAD exomes 0.00028; gnomAD 0.00032 and 0.00034; ExAC 0.00035; TOPMed 0.00053.

Submissions (6):

CeGaT Center for Human Genetics Tuebingen
Classification: Likely benign. Last evaluated: 2026-03-01. Review status: criteria provided, single submitter. Criteria: CeGaT Center For Human Genetics Tuebingen Variant Classification Criteria Version 2. Collection method: clinical testing. Allele origin: germline. Affected: yes. Observed: 2 variant alleles.
Comment: KLHL41: BP4, BP7

PreventionGenetics, part of Exact Sciences
Classification: Likely benign for KLHL41-related condition. Last evaluated: 2026-02-09. Review status: criteria provided, single submitter. Criteria: ACMG Guidelines, 2015. Collection method: clinical testing. Allele origin: germline.
Comment: This variant is classified as likely benign based on ACMG/AMP sequence variant interpretation guidelines (Richards et al. 2015 PMID: 25741868, with internal and published modifications).

Labcorp Genetics (formerly Invitae), Labcorp
Classification: Likely benign for Nemaline myopathy 9. Last evaluated: 2025-11-23. Review status: criteria provided, single submitter. Criteria: Invitae Variant Classification Sherloc (09022015). Collection method: clinical testing. Allele origin: germline.

Blueprint Genetics
Classification: Likely benign. Last evaluated: 2024-09-25. Review status: criteria provided, single submitter. Criteria: ACMG Guidelines, 2015. Collection method: clinical testing. Allele origin: germline.

GeneDx
Classification: Likely benign. Last evaluated: 2019-12-10. Review status: criteria provided, single submitter. Criteria: GeneDx Variant Classification Process June 2021. Collection method: clinical testing. Allele origin: germline. Affected: yes.

Breakthrough Genomics
Classification: Likely benign. Review status: criteria provided, single submitter. Criteria: ACMG Guidelines, 2015. Collection method: not provided. Allele origin: germline. Inheritance: Autosomal recessive inheritance. Affected: yes.